The following is an entry in ClinVar:

NM_000143.4(FH):c.1273G>T (p.Asp425Tyr)

Gene: FH (fumarate hydratase; minus strand). Cytogenetic location: 1q43.
Variant type: single nucleotide variant.
Coding change: c.1273G>T on transcript NM_000143.4 (MANE Select); coding-DNA position 1273, G replaced by T.
Protein change: p.Asp425Tyr; replaces aspartic acid 425 with tyrosine.
Molecular consequence: missense variant.
Genome position (GRCh38, 1-based): chr1:241,500,554, C>A on the plus strand (G>T on the coding strand, the complement: FH is on the minus strand). VCF-style: chr1-241500554-C-A. GRCh37 (hg19) VCF-style: chr1-241663854-C-A.
Other names: short protein forms D425Y.
Identifiers: ClinVar variation 3278727 (VCV003278727.1).

ClinVar aggregate classification (germline): Uncertain significance (1 of 4 stars; one submission).

Conditions:
Hereditary cancer-predisposing syndrome. Also called: Tumor predisposition; Hereditary Cancer Syndrome; Hereditary neoplastic syndrome; Neoplastic Syndromes, Hereditary. Identifiers: Orphanet 140162, MedGen C0027672, MeSH D009386, MONDO:0015356.

Submission:

Ambry Genetics
Classification: Uncertain significance for Hereditary cancer-predisposing syndrome. Last evaluated: 2024-04-10. Review status: criteria provided, single submitter. Criteria: Ambry Variant Classification Scheme 2023. Collection method: clinical testing. Allele origin: germline.
Comment: The p.D425Y variant (also known as c.1273G>T), located in coding exon 9 of the FH gene, results from a G to T substitution at nucleotide position 1273. The aspartic acid at codon 425 is replaced by tyrosine, an amino acid with highly dissimilar properties. This amino acid position is highly conserved in available vertebrate species. In addition, this alteration is predicted to be deleterious by in silico analysis. Based on the available evidence, the clinical significance of this variant remains unclear.